The following is an entry in ClinVar:

NM_000455.5(STK11):c.881C>G (p.Pro294Arg)

Gene: STK11 (serine/threonine kinase 11; plus strand). Cytogenetic location: 19p13.3.
Variant type: single nucleotide variant.
Coding change: c.881C>G on transcript NM_000455.5 (MANE Select); coding-DNA position 881, C replaced by G.
Protein change: p.Pro294Arg; replaces proline 294 with arginine.
Molecular consequence: missense variant.
Genome position (GRCh38, 1-based): chr19:1,221,967, C>G. VCF-style: chr19-1221967-C-G. GRCh37 (hg19) VCF-style: chr19-1221966-C-G.
Other names: short protein forms P294R.
Identifiers: ClinVar variation 1375687 (VCV001375687.8), dbSNP rs866454760, ClinGen allele CA402951212.

ClinVar aggregate classification (germline): Uncertain significance (1 of 4 stars; one submission).

Conditions:
Peutz-Jeghers syndrome (PJS). Also called: Peutz-Jeghers polyposis; Periorificial lentiginosis syndrome; POLYPOSIS, HAMARTOMATOUS INTESTINAL; POLYPS-AND-SPOTS SYNDROME. Identifiers: Orphanet 2869, MedGen C0031269, MeSH D010580, MONDO:0008280, OMIM 175200.

Submission:

Labcorp Genetics (formerly Invitae), Labcorp
Classification: Uncertain significance for Peutz-Jeghers syndrome. Last evaluated: 2021-01-06. Review status: criteria provided, single submitter. Criteria: Invitae Variant Classification Sherloc (09022015). Collection method: clinical testing. Allele origin: germline.
Comment: In summary, the available evidence is currently insufficient to determine the role of this variant in disease. Therefore, it has been classified as a Variant of Uncertain Significance. Advanced modeling of protein sequence and biophysical properties (such as structural, functional, and spatial information, amino acid conservation, physicochemical variation, residue mobility, and thermodynamic stability) performed at Invitae indicates that this missense variant is expected to disrupt STK11 protein function. This variant has not been reported in the literature in individuals with STK11-related conditions. This variant is not present in population databases (ExAC no frequency). This sequence change replaces proline with arginine at codon 294 of the STK11 protein (p.Pro294Arg). The proline residue is highly conserved and there is a moderate physicochemical difference between proline and arginine.